The following is an entry in ClinVar:

NM_000051.4(ATM):c.3369A>G (p.Ala1123=)

Gene: ATM (ATM serine/threonine kinase; plus strand). Cytogenetic location: 11q22.3.
Variant type: single nucleotide variant.
Coding change: c.3369A>G on transcript NM_000051.4 (MANE Select); coding-DNA position 3369, A replaced by G.
Protein change: p.Ala1123=; no amino-acid change (alanine 1123 retained).
Molecular consequence: synonymous variant.
Genome position (GRCh38, 1-based): chr11:108,279,575, A>G. VCF-style: chr11-108279575-A-G. GRCh37 (hg19) VCF-style: chr11-108150302-A-G.
Other names: c.3369A>G, p.Ala1123= (NM_001351834.2).
Identifiers: ClinVar variation 132725 (VCV000132725.44), dbSNP rs587780543, ClinGen allele CA332028.

ClinVar aggregate classification (germline): Benign/Likely benign. Review status: criteria provided, multiple submitters, no conflicts (2 of 4 stars). 6 submissions from 6 submitters: Benign (2); Likely benign (4). Last evaluated 2025-07-14.

Conditions:
Hereditary cancer-predisposing syndrome. Also called: Tumor predisposition; Hereditary neoplastic syndrome; Neoplastic Syndromes, Hereditary; Hereditary Cancer Syndrome. Identifiers: Orphanet 140162, MedGen C0027672, MeSH D009386, MONDO:0015356.
Ataxia-telangiectasia syndrome (AT). Also called: LOUIS-BAR SYNDROME; Ataxia-telangiectasia; Ataxia telangiectasia (A-T); Cerebello-oculocutaneous telangiectasia; Immunodeficiency with ataxia telangiectasia; Ataxia-telangiectasia, complementation group D. Identifiers: Orphanet 100, MedGen C0004135, MONDO:0008840, OMIM 208900.
Familial cancer of breast. Also called: Hereditary breast cancer; hereditary breast carcinoma; BREAST CANCER, FAMILIAL. Identifiers: Orphanet 227535, MedGen C0346153, MONDO:0016419, OMIM 114480. Disease mechanism: loss of function.

Allele frequency attached by ClinVar (database versions not stated): TOPMed below 0.00001; ExAC 0.00001; gnomAD exomes 0.00001; gnomAD 0.00002.
gnomAD v4.1: 17 of 1,613,258 alleles (0.0011%); highest among the groups gnomAD compares: Non-Finnish European, 0.0014%; no homozygotes.

Submissions (6):

Labcorp Genetics (formerly Invitae), Labcorp
Classification: Likely benign for Ataxia-telangiectasia syndrome. Last evaluated: 2025-07-14. Review status: criteria provided, single submitter. Criteria: Invitae Variant Classification Sherloc (09022015). Collection method: clinical testing. Allele origin: germline.

Myriad Genetics, Inc.
Classification: Benign for Familial cancer of breast. Last evaluated: 2024-05-14. Review status: criteria provided, single submitter. Criteria: Myriad Autosomal Dominant, Autosomal Recessive and X-Linked Classification Criteria (2023). Collection method: clinical testing. Allele origin: unknown.
Comment: This variant is considered benign. This variant is a silent/synonymous amino acid change and it is not expected to impact splicing.

CeGaT Center for Human Genetics Tuebingen
Classification: Likely benign. Last evaluated: 2023-11-01. Review status: criteria provided, single submitter. Criteria: CeGaT Center For Human Genetics Tuebingen Variant Classification Criteria Version 2. Collection method: clinical testing. Allele origin: germline. Affected: yes. Observed: 1 variant allele.
Comment: ATM: BP4, BP7

Color Diagnostics, LLC DBA Color Health
Classification: Likely benign for Hereditary cancer-predisposing syndrome. Last evaluated: 2017-10-23. Review status: criteria provided, single submitter. Criteria: ACMG Guidelines, 2015. Collection method: clinical testing. Allele origin: germline.

GeneDx
Classification: Benign. Last evaluated: 2015-05-11. Review status: criteria provided, single submitter. Criteria: GeneDx Variant Classification Process June 2021. Collection method: clinical testing. Allele origin: germline. Affected: yes.

Ambry Genetics
Classification: Likely benign for Hereditary cancer-predisposing syndrome. Last evaluated: 2015-03-23. Review status: criteria provided, single submitter. Criteria: Ambry Variant Classification Scheme 2023. Collection method: clinical testing. Allele origin: germline.